The following is an entry in ClinVar:

NM_198252.3(GSN):c.-9-2063G>A

Gene: GSN (gelsolin; plus strand). Cytogenetic location: 9q33.2.
Variant type: single nucleotide variant.
Coding change: c.-9-2063G>A on transcript NM_198252.3 (MANE Select); 2063 bases into the intron before 9 bases upstream of the start codon, G replaced by A.
Molecular consequence: intron variant. On other transcripts: synonymous variant (1).
Genome position (GRCh38, 1-based): chr9:121,299,900, G>A. VCF-style: chr9-121299900-G-A. GRCh37 (hg19) VCF-style: chr9-124062178-G-A.
Other names: c.39G>A, p.Ala13= (NM_000177.5); c.-9-2063G>A (NM_001353054.1, NM_001353053.1, NM_001353060.2 and 5 more transcripts); c.-47-156G>A (NM_001353064.2, NM_001353066.2, NM_001353072.2 and 8 more transcripts); c.-1-2071G>A (NM_001353058.2, NM_001353059.2, NM_001353056.2 and 1 more transcripts); c.-38-165G>A (NM_001353073.2, NM_001353065.2, NM_001353068.2 and 2 more transcripts); c.100-2063G>A (NM_001127663.2); c.-32-171G>A (NM_001353070.2); c.-48-2024G>A (NM_001353055.2); and 3 more.
Identifiers: ClinVar variation 3697877 (VCV003697877.12).

ClinVar aggregate classification (germline): Likely benign. Review status: criteria provided, multiple submitters, no conflicts (2 of 4 stars). 2 submissions from 2 submitters: Likely benign (2). Last evaluated 2025-05-01.

gnomAD v4.1: 18 of 1,297,298 alleles (0.0014%); highest among the groups gnomAD compares: Non-Finnish European, 0.0017%; no homozygotes.

Submissions (2):

CeGaT Center for Human Genetics Tuebingen
Classification: Likely benign. Last evaluated: 2025-05-01. Review status: criteria provided, single submitter. Criteria: CeGaT Center For Human Genetics Tuebingen Variant Classification Criteria Version 2. Collection method: clinical testing. Allele origin: germline. Affected: yes. Observed: 1 variant allele.
Comment: GSN: BP4, BP7

Labcorp Genetics (formerly Invitae), Labcorp
Classification: Likely benign. Last evaluated: 2024-11-26. Review status: criteria provided, single submitter. Criteria: Invitae Variant Classification Sherloc (09022015). Collection method: clinical testing. Allele origin: germline.